The following is an entry in ClinVar:

NM_000038.6(APC):c.3104A>G (p.Gln1035Arg)

Gene: APC (APC regulator of Wnt signaling pathway; plus strand). Cytogenetic location: 5q22.2.
Variant type: single nucleotide variant.
Coding change: c.3104A>G on transcript NM_000038.6 (MANE Select); coding-DNA position 3104, A replaced by G.
Protein change: p.Gln1035Arg; replaces glutamine 1035 with arginine.
Molecular consequence: missense variant. On other transcripts: non-coding transcript variant (2).
Genome position (GRCh38, 1-based): chr5:112,838,698, A>G. VCF-style: chr5-112838698-A-G. GRCh37 (hg19) VCF-style: chr5-112174395-A-G.
Other names: c.3104A>G (NM_000038.5); c.3104A>G, p.Gln1035Arg (NM_001127510.3, NM_001354895.2, NM_001407450.1); c.3050A>G, p.Gln1017Arg (NM_001127511.3); c.3158A>G, p.Gln1053Arg (NM_001354896.2, NM_001407447.1, NM_001407448.1 and 1 more transcripts); c.3134A>G, p.Gln1045Arg (NM_001354897.2); c.3029A>G, p.Gln1010Arg (NM_001354898.2); c.3020A>G, p.Gln1007Arg (NM_001354899.2); c.2981A>G, p.Gln994Arg (NM_001354900.2); and 12 more; short protein forms Q1007R, Q1010R, Q1025R, Q1045R, Q1063R, Q752R, Q906R, Q976R.
Identifiers: ClinVar variation 2751822 (VCV002751822.4), dbSNP rs1060503303, ClinGen allele CA16028134.

ClinVar aggregate classification (germline): Uncertain significance. Review status: criteria provided, multiple submitters, no conflicts (2 of 4 stars). 2 submissions from 2 submitters: Uncertain significance (2). Last evaluated 2025-09-24.

Conditions:
Hereditary cancer-predisposing syndrome. Also called: Neoplastic Syndromes, Hereditary; Hereditary Cancer Syndrome; Tumor predisposition; Hereditary neoplastic syndrome. Identifiers: Orphanet 140162, MedGen C0027672, MeSH D009386, MONDO:0015356.
Familial adenomatous polyposis 1 (FAP1). Also called: POLYPOSIS, ADENOMATOUS INTESTINAL; FAMILIAL ADENOMATOUS POLYPOSIS 1, ATTENUATED. Identifiers: MedGen C2713442, MONDO:0021056, OMIM 175100. Disease mechanism: loss of function.

Allele frequency attached by ClinVar (database versions not stated): gnomAD exomes below 0.00001.
gnomAD v4.1: 1 of 1,614,216 alleles (0.000062%); no homozygotes.

Submissions (2):

Labcorp Genetics (formerly Invitae), Labcorp
Classification: Uncertain significance for Familial adenomatous polyposis 1. Last evaluated: 2025-09-24. Review status: criteria provided, single submitter. Criteria: Invitae Variant Classification Sherloc (09022015). Collection method: clinical testing. Allele origin: germline.
Comment: This sequence change replaces glutamine, which is neutral and polar, with arginine, which is basic and polar, at codon 1035 of the APC protein (p.Gln1035Arg). This variant is not present in population databases (gnomAD no frequency). This variant has not been reported in the literature in individuals affected with APC-related conditions. ClinVar contains an entry for this variant (Variation ID: 2751822). Invitae Evidence Modeling of protein sequence and biophysical properties (such as structural, functional, and spatial information, amino acid conservation, physicochemical variation, residue mobility, and thermodynamic stability) indicates that this missense variant is not expected to disrupt APC protein function with a negative predictive value of 95%. In summary, the available evidence is currently insufficient to determine the role of this variant in disease. Therefore, it has been classified as a Variant of Uncertain Significance.

Ambry Genetics
Classification: Uncertain significance for Hereditary cancer-predisposing syndrome. Last evaluated: 2025-09-16. Review status: criteria provided, single submitter. Criteria: Ambry Variant Classification Scheme 2023. Collection method: clinical testing. Allele origin: germline.
Comment: The p.Q1035R variant (also known as c.3104A>G), located in coding exon 15 of the APC gene, results from an A to G substitution at nucleotide position 3104. The glutamine at codon 1035 is replaced by arginine, an amino acid with highly similar properties. This amino acid position is highly conserved in available vertebrate species. In addition, in silico predictors for this gene do not accurately predict pathogenicity. Based on the available evidence, the clinical significance of this variant remains unclear.